The following continues an entry in ClinVar:

NM_000431.4(MVK):c.405G>A (p.Ser135=)

Gene: MVK. ClinVar aggregate classification (germline): Benign/Likely benign. Benign (11); Likely benign (1).

Submissions 26 to 36 of 36:

Dr. Peter K. Rogan Lab, Western University
No classification provided (evidence only). Condition: Adrenocortical carcinoma, hereditary. Review status: no classification provided. Collection method: in vitro. Allele origin: not applicable. Functional consequence: skipped exon. Not counted in ClinVar's aggregate classification.

Dr. Peter K. Rogan Lab, Western University
No classification provided (evidence only). Condition: Adrenocortical carcinoma, hereditary. Review status: no classification provided. Collection method: in vitro. Allele origin: not applicable. Functional consequence: skipped exon. Not counted in ClinVar's aggregate classification.

Dr. Peter K. Rogan Lab, Western University
No classification provided (evidence only). Condition: Adrenocortical carcinoma, hereditary. Review status: no classification provided. Collection method: in vitro. Allele origin: not applicable. Functional consequence: skipped exon, retained intron. Not counted in ClinVar's aggregate classification.

Dr. Peter K. Rogan Lab, Western University
No classification provided (evidence only). Condition: Adrenocortical carcinoma, hereditary. Review status: no classification provided. Collection method: in vitro. Allele origin: not applicable. Functional consequence: skipped exon. Not counted in ClinVar's aggregate classification.

Dr. Peter K. Rogan Lab, Western University
No classification provided (evidence only). Condition: Adrenocortical carcinoma, hereditary. Review status: no classification provided. Collection method: in vitro. Allele origin: not applicable. Functional consequence: skipped exon. Not counted in ClinVar's aggregate classification.

Dr. Peter K. Rogan Lab, Western University
No classification provided (evidence only). Condition: Adrenocortical carcinoma, hereditary. Review status: no classification provided. Collection method: in vitro. Allele origin: not applicable. Functional consequence: skipped exon. Not counted in ClinVar's aggregate classification.

Dr. Peter K. Rogan Lab, Western University
No classification provided (evidence only). Condition: Uterine carcinosarcoma. Review status: no classification provided. Collection method: in vitro. Allele origin: not applicable. Functional consequence: skipped exon. Not counted in ClinVar's aggregate classification.

Dr. Peter K. Rogan Lab, Western University
No classification provided (evidence only). Condition: Uterine carcinosarcoma. Review status: no classification provided. Collection method: in vitro. Allele origin: not applicable. Functional consequence: skipped exon. Not counted in ClinVar's aggregate classification.

Genetic Services Laboratory, University of Chicago
Classification: Likely benign for AllHighlyPenetrant. Review status: no assertion criteria provided. Collection method: clinical testing. Allele origin: germline. Not counted in ClinVar's aggregate classification.
Comment: Likely benign based on allele frequency in 1000 Genomes Project or ESP global frequency and its presence in a patient with a rare or unrelated disease phenotype. NOT Sanger confirmed.

Genome Diagnostics Laboratory, University Medical Center Utrecht
Classification: Benign. Review status: no assertion criteria provided. Collection method: clinical testing. Allele origin: germline. Affected: yes. Study: VKGL Data-share Consensus. Not counted in ClinVar's aggregate classification.

Joint Genome Diagnostic Labs from Nijmegen and Maastricht, Radboudumc and MUMC+
Classification: Benign. Review status: no assertion criteria provided. Collection method: clinical testing. Allele origin: germline. Affected: yes. Study: VKGL Data-share Consensus. Not counted in ClinVar's aggregate classification.

Literature cited by the submitters: PubMed 16835861 (cited by Women's Health and Genetics/Laboratory Corporation of America, LabCorp); PubMed 15536479 (cited by Women's Health and Genetics/Laboratory Corporation of America, LabCorp); PubMed 21196927 (cited by Women's Health and Genetics/Laboratory Corporation of America, LabCorp); PubMed 21124859 (cited by Women's Health and Genetics/Laboratory Corporation of America, LabCorp); PubMed 31556326 (cited by Women's Health and Genetics/Laboratory Corporation of America, LabCorp); PubMed 15188372 (cited by Women's Health and Genetics/Laboratory Corporation of America, LabCorp); PubMed 37680519 (cited by Women's Health and Genetics/Laboratory Corporation of America, LabCorp).